The following is an entry in ClinVar:

NM_001374353.1(GLI2):c.1345del (p.Glu449fs)

Gene: GLI2 (GLI family zinc finger 2; plus strand). Cytogenetic location: 2q14.2.
Variant type: Deletion.
Coding change: c.1345del on transcript NM_001374353.1 (MANE Select); coding-DNA position 1345, one base deleted (G; older notation c.1345delG).
Protein change: p.Glu449fs; shifts the reading frame from glutamic acid 449.
Molecular consequence: frameshift variant.
Genome position (GRCh38, 1-based): chr2:120,978,461, G deleted; the last of 4 consecutive G bases (chr2:120,978,458-120,978,461); deleting any one gives the same sequence. VCF-style (leftmost placement, unchanged base first): chr2-120978457-CG-C. GRCh37 (hg19) VCF-style: chr2-121736033-CG-C.
Other names: c.1396del, p.Glu466fs (NM_001371271.1, NM_005270.5); c.970del, p.Glu324fs (NM_001374354.1); short protein forms E324fs, E449fs, E466fs.
Identifiers: ClinVar variation 3376295 (VCV003376295.1).

ClinVar aggregate classification (germline): Likely pathogenic (1 of 4 stars; one submission).

Conditions:
Holoprosencephaly 9 (HPE9). Also called: HOLOPROSENCEPHALY WITH MICROPHTHALMIA AND FIRST BRANCHIAL ARCH ANOMALIES; PITUITARY ANOMALIES WITH HOLOPROSENCEPHALY-LIKE FEATURES. Identifiers: Orphanet 2162, MedGen C1835819, MONDO:0012563, OMIM 610829.

Submission:

Pittsburgh Clinical Genomics Laboratory, University of Pittsburgh Medical Center
Classification: Likely pathogenic for Holoprosencephaly 9. Last evaluated: 2022-12-13. Review status: criteria provided, single submitter. Criteria: ACMG Guidelines, 2015. Collection method: clinical testing. Allele origin: germline. Inheritance: Autosomal dominant inheritance. Affected: yes.
Comment: This sequence variant is a single nucleotide deletion (delG) at coding position 1396 of the GLI2 gene that results in a premature termition sigl 55 codons downstream of a frameshift introduced at codon 466. As this deletion occurs in exon 10 of 14, this variant is predicted to generate a non-functiol allele through the expression of a truncated protein or the loss of GLI2 expression due to nonsense mediated decay. This variant is absent from an online database of clinically annotated variants (ClinVar) and from the gnomAD population database (0 of 251,428 alleles). To our knowledge, this variant has not been observed in the published literature in an individual affected by a GLI2-related disorder. Likewise, studies examining the functiol consequence of this variant have not been published, to our knowledge. Nonetheless, loss of function variants are a known mechanism of disease for GLI2 (PMID: 34921505). Given this information, we consider this a likely pathogenic variant. ACMG Criteria: PM2, PVS1

Literature cited by the submitters: PubMed 34921505.